The following is an entry in ClinVar:

ClinVar aggregate classification (germline): Uncertain significance (1 of 4 stars; one submission).

Conditions:
PKD2-related disorder. Also called: PKD2-related condition.

Submission:

PreventionGenetics, part of Exact Sciences
Classification: Uncertain significance for PKD2-related condition. Last evaluated: 2026-01-22. Review status: criteria provided, single submitter. Criteria: ACMG Guidelines, 2015. Collection method: clinical testing. Allele origin: germline.
Comment: The PKD2 c.1558G>T variant is predicted to result in the amino acid substitution p.Val520Leu. To our knowledge, this variant has not been reported in the literature or in a large population database (gnomAD), indicating this variant is rare. At this time, the clinical significance of this variant is uncertain due to the absence of conclusive functional and genetic evidence.

NM_000297.4(PKD2):c.1558G>T (p.Val520Leu)

Gene: PKD2 (polycystin 2, transient receptor potential cation channel; plus strand). Cytogenetic location: 4q22.1.
Variant type: single nucleotide variant.
Coding change: c.1558G>T on transcript NM_000297.4 (MANE Select); coding-DNA position 1558, G replaced by T.
Protein change: p.Val520Leu; replaces valine 520 with leucine.
Molecular consequence: missense variant. On other transcripts: non-coding transcript variant (1).
Genome position (GRCh38, 1-based): chr4:88,052,000, G>T. VCF-style: chr4-88052000-G-T. GRCh37 (hg19) VCF-style: chr4-88973152-G-T.
Other names: c.1333G>T, p.Val445Leu (NM_001440544.1); short protein forms V445L, V520L.
Identifiers: ClinVar variation 4996032 (VCV004996032.1).